The following is an entry in ClinVar:

NM_019109.5(ALG1):c.629+4C>A

Gene: ALG1 (ALG1 chitobiosyldiphosphodolichol beta-mannosyltransferase; plus strand). Cytogenetic location: 16p13.3.
Variant type: single nucleotide variant.
Coding change: c.629+4C>A on transcript NM_019109.5 (MANE Select); 4 bases into the intron after coding-DNA position 629, C replaced by A.
Molecular consequence: intron variant.
Genome position (GRCh38, 1-based): chr16:5,077,538, C>A. VCF-style: chr16-5077538-C-A. GRCh37 (hg19) VCF-style: chr16-5127539-C-A.
Other names: c.296+4C>A (NM_001330504.2).
Identifiers: ClinVar variation 3283910 (VCV003283910.1).
Genomic context (GRCh38, chr16:5,077,538, plus strand): 5'-GAACCTGTGTGTTACCAATGCTATGCGAGAAGACCTGGCGGATAACTGGCACATCAGGTA[C>A]CATGGCCTGGGATGACGGCGGCCTGGGAGAGGCGCGGGGCCCCTGATTGGCTGCAGTGAG-3'

ClinVar aggregate classification (germline): Uncertain significance (1 of 4 stars; one submission).

Conditions:
Inborn genetic diseases. Identifiers: MedGen C0950123, MeSH D030342.

Submission:

Ambry Genetics
Classification: Uncertain significance for Inborn genetic diseases. Last evaluated: 2024-04-23. Review status: criteria provided, single submitter. Criteria: Ambry Variant Classification Scheme 2023. Collection method: clinical testing. Allele origin: germline.
Comment: The c.629+4C>A intronic alteration consists of a C to A substitution nucleotides after coding exon 5 in the ALG1 gene. Based on insufficient or conflicting evidence, the clinical significance of this alteration remains unclear.